The following is an entry in ClinVar:

NM_003978.5(PSTPIP1):c.837C>A (p.Pro279=)

Gene: PSTPIP1 (proline-serine-threonine phosphatase interacting protein 1; plus strand). Cytogenetic location: 15q24.3.
Variant type: single nucleotide variant.
Coding change: c.837C>A on transcript NM_003978.5 (MANE Select); coding-DNA position 837, C replaced by A.
Protein change: p.Pro279=; no amino-acid change (proline 279 retained).
Molecular consequence: synonymous variant.
Genome position (GRCh38, 1-based): chr15:77,032,393, C>A. VCF-style: chr15-77032393-C-A. GRCh37 (hg19) VCF-style: chr15-77324734-C-A.
Other names: c.837C>A, p.Pro279= (NM_001321135.2); c.810C>A, p.Pro270= (NM_001321136.2); c.1032C>A, p.Pro344= (NM_001321137.1).
Identifiers: ClinVar variation 1441565 (VCV001441565.6), dbSNP rs149195362, ClinGen allele CA491335970.

ClinVar aggregate classification (germline): Uncertain significance (1 of 4 stars; one submission).

Conditions:
Pyogenic arthritis-pyoderma gangrenosum-acne syndrome (PAPA). Also called: PAPA SYNDROME; FAMILIAL RECURRENT ARTHRITIS. Identifiers: Orphanet 69126, MedGen C1858361, MONDO:0011462, OMIM 604416.

gnomAD v4.1: 1 of 1,612,616 alleles (0.000062%); no homozygotes.

Submission:

Labcorp Genetics (formerly Invitae), Labcorp
Classification: Uncertain significance for Pyogenic arthritis-pyoderma gangrenosum-acne syndrome. Last evaluated: 2023-05-27. Review status: criteria provided, single submitter. Criteria: Invitae Variant Classification Sherloc (09022015). Collection method: clinical testing. Allele origin: germline.
Comment: ClinVar contains an entry for this variant (Variation ID: 1441565). Algorithms developed to predict the effect of sequence changes on RNA splicing suggest that this variant may disrupt the consensus splice site. In summary, the available evidence is currently insufficient to determine the role of this variant in disease. Therefore, it has been classified as a Variant of Uncertain Significance. This sequence change affects codon 279 of the PSTPIP1 mRNA. It is a 'silent' change, meaning that it does not change the encoded amino acid sequence of the PSTPIP1 protein. It affects a nucleotide within the consensus splice site. This variant is not present in population databases (gnomAD no frequency). This variant has not been reported in the literature in individuals affected with PSTPIP1-related conditions.